The following is an entry in ClinVar:

NM_002230.4(JUP):c.2086+13C>T

Gene: JUP (junction plakoglobin; minus strand). Cytogenetic location: 17q21.2.
Variant type: single nucleotide variant.
Coding change: c.2086+13C>T on transcript NM_002230.4 (MANE Select); 13 bases into the intron after coding-DNA position 2086, C replaced by T.
Molecular consequence: intron variant.
Genome position (GRCh38, 1-based): chr17:41,756,162, G>A on the plus strand (C>T on the coding strand, the complement: JUP is on the minus strand). VCF-style: chr17-41756162-G-A. GRCh37 (hg19) VCF-style: chr17-39912414-G-A.
Other names: c.2086+13C>T (NM_001352774.2, NM_021991.4, NM_001352776.2 and 3 more transcripts).
Identifiers: ClinVar variation 227449 (VCV000227449.23), dbSNP rs199935213, ClinGen allele CA8565022.

ClinVar aggregate classification (germline): Conflicting classifications of pathogenicity. Review status: criteria provided, conflicting classifications (1 of 4 stars). 10 submissions from 9 submitters: Uncertain significance (2); Benign (1); Likely benign (5). 2 of the submissions do not count toward it. Last evaluated 2026-01-28.

Conditions:
Arrhythmogenic right ventricular dysplasia 12. Also called: ARRHYTHMOGENIC RIGHT VENTRICULAR DYSPLASIA, FAMILIAL, 12. Identifiers: MedGen C1969081, MONDO:0012684, OMIM 611528.
Naxos disease (NXD). Also called: CARDIOMYOPATHY, ARRHYTHMOGENIC RIGHT VENTRICULAR, WITH SKIN, HAIR, AND NAIL ABNORMALITIES; KERATOSIS PALMOPLANTARIS WITH ARRHYTHMOGENIC CARDIOMYOPATHY; MAL DE NAXOS; PALMOPLANTAR KERATODERMA WITH ARRHYTHMOGENIC RIGHT VENTRICULAR CARDIOMYOPATHY AND WOOLLY HAIR; WOOLLY HAIR, PALMOPLANTAR KERATODERMA, AND CARDIAC ABNORMALITIES. Identifiers: Orphanet 34217, MedGen C1832600, MONDO:0011017, OMIM 601214.

Allele frequency attached by ClinVar (database versions not stated): gnomAD exomes 0.00003 and 0.00012; ExAC 0.00009; gnomAD 0.00015 and 0.00017; TOPMed 0.00022; ESP Exome Variant Server 0.00023; 1000 Genomes Project 0.00060; 1000 Genomes Project 30x 0.00078.
gnomAD v4.1: 128 of 1,613,064 alleles (0.0079%); highest among the groups gnomAD compares: East Asian, 0.074%; no homozygotes.

Submissions (10):

Labcorp Genetics (formerly Invitae), Labcorp
Classification: Likely benign for Arrhythmogenic right ventricular dysplasia 12; Naxos disease. Last evaluated: 2026-01-28. Review status: criteria provided, single submitter. Criteria: Invitae Variant Classification Sherloc (09022015). Collection method: clinical testing. Allele origin: germline.

ARUP Laboratories, Molecular Genetics and Genomics, ARUP Laboratories
Classification: Likely benign. Last evaluated: 2025-06-05. Review status: criteria provided, single submitter. Criteria: ARUP Molecular Germline Variant Investigation Process 2024. Collection method: clinical testing. Allele origin: germline.

Blueprint Genetics
Classification: Likely benign. Last evaluated: 2024-09-20. Review status: criteria provided, single submitter. Criteria: ACMG Guidelines, 2015. Collection method: clinical testing. Allele origin: germline.

Women's Health and Genetics/Laboratory Corporation of America, LabCorp
Classification: Benign. Last evaluated: 2023-01-21. Review status: criteria provided, single submitter. Criteria: LabCorp Variant Classification Summary - May 2015. Collection method: clinical testing. Allele origin: germline.

Illumina Laboratory Services, Illumina
Classification: Uncertain significance for Arrhythmogenic right ventricular dysplasia 12. Last evaluated: 2018-01-13. Review status: criteria provided, single submitter. Criteria: ICSL Variant Classification Criteria 13 December 2019. Collection method: clinical testing. Allele origin: germline.

Illumina Laboratory Services, Illumina
Classification: Uncertain significance for Naxos disease. Last evaluated: 2018-01-13. Review status: criteria provided, single submitter. Criteria: ICSL Variant Classification Criteria 13 December 2019. Collection method: clinical testing. Allele origin: germline.

GeneDx
Classification: Likely benign. Last evaluated: 2017-08-21. Review status: criteria provided, single submitter. Criteria: GeneDx Variant Classification (06012015). Collection method: clinical testing. Allele origin: germline. Affected: yes.
Comment: This variant is considered likely benign or benign based on one or more of the following criteria: it is a conservative change, it occurs at a poorly conserved position in the protein, it is predicted to be benign by multiple in silico algorithms, and/or has population frequency not consistent with disease.

Laboratory for Molecular Medicine, Mass General Brigham Personalized Medicine
Classification: Likely benign. Last evaluated: 2015-05-07. Review status: criteria provided, single submitter. Criteria: LMM Criteria. Collection method: clinical testing. Allele origin: germline. Observed: 1 variant allele.
Comment: c.2086+13C>T in intron 13 of JUP: This variant is not expected to have clinical significance because it is not located within the splice consensus sequence. It has been identified in 0.1% (6/8300) of East Asian chromosomes by the Exome Aggr egation Consortium (ExAC; dbSNP rs199935213).

Clinical Genetics, Academic Medical Center
Classification: Benign. Review status: no assertion criteria provided. Collection method: clinical testing. Allele origin: germline. Affected: yes. Study: VKGL Data-share Consensus. Not counted in ClinVar's aggregate classification.

Genome Diagnostics Laboratory, University Medical Center Utrecht
Classification: Likely benign. Review status: no assertion criteria provided. Collection method: clinical testing. Allele origin: germline. Affected: yes. Study: VKGL Data-share Consensus. Not counted in ClinVar's aggregate classification.